The following is an entry in ClinVar:

NM_004655.4(AXIN2):c.2012G>T (p.Arg671Leu)

Gene: AXIN2 (axin 2; minus strand). Cytogenetic location: 17q24.1.
Variant type: single nucleotide variant.
Coding change: c.2012G>T on transcript NM_004655.4 (MANE Select); coding-DNA position 2012, G replaced by T.
Protein change: p.Arg671Leu; replaces arginine 671 with leucine.
Molecular consequence: missense variant.
Genome position (GRCh38, 1-based): chr17:65,536,449, C>A on the plus strand (G>T on the coding strand, the complement: AXIN2 is on the minus strand). VCF-style: chr17-65536449-C-A. GRCh37 (hg19) VCF-style: chr17-63532567-C-A.
Other names: c.1817G>T, p.Arg606Leu (NM_001363813.1); short protein forms R671L, R606L.
Identifiers: ClinVar variation 4831465 (VCV004831465.1).
Genomic context (GRCh38, chr17:65,536,449, plus strand): 5'-GGTGGGGTCAGGGGAGGCATCGCAGGGTCCTGGGTGAACAGGTGGGCACGGGGGGTGGTG[C>A]GGGGGTGCCCGCTGTTGCCCCCCCACAGATGGTGCCGGCTGGCTCGTTCGCCTGGAGACG-3'
Protein context (NP_004646.3, residues 661-681): HLWGGNSGHP[Arg671Leu]TTPRAHLFTQ

ClinVar aggregate classification (germline): Uncertain significance (1 of 4 stars; one submission).

Conditions:
Hereditary cancer-predisposing syndrome. Also called: Neoplastic Syndromes, Hereditary; Tumor predisposition; Hereditary Cancer Syndrome; Hereditary neoplastic syndrome. Identifiers: Orphanet 140162, MedGen C0027672, MeSH D009386, MONDO:0015356.

Submission:

Ambry Genetics
Classification: Uncertain significance for Hereditary cancer-predisposing syndrome. Last evaluated: 2026-01-14. Review status: criteria provided, single submitter. Criteria: Ambry Variant Classification Scheme 2023. Collection method: clinical testing. Allele origin: germline.
Comment: The p.R671L variant (also known as c.2012G>T), located in coding exon 7 of the AXIN2 gene, results from a G to T substitution at nucleotide position 2012. The arginine at codon 671 is replaced by leucine, an amino acid with dissimilar properties. This amino acid position is conserved. In addition, this alteration is predicted to be deleterious by in silico analysis. Based on the available evidence, the clinical significance of this variant remains unclear.